The following is an entry in ClinVar:

ClinVar aggregate classification (germline): Uncertain significance (1 of 4 stars; one submission).

Conditions:
BBS1-related disorder. Also called: BBS1-related condition.

gnomAD v4.1: 2 of 1,614,028 alleles (0.00012%); highest among the groups gnomAD compares: Middle Eastern, 0.033%; no homozygotes.

Submission:

PreventionGenetics, part of Exact Sciences
Classification: Uncertain significance for BBS1-related condition. Last evaluated: 2025-11-06. Review status: criteria provided, single submitter. Criteria: ACMG Guidelines, 2015. Collection method: clinical testing. Allele origin: germline.
Comment: The BBS1 c.340G>A variant is predicted to result in the amino acid substitution p.Val114Met. This variant has been reported in an individual with non-obstructive azoospermia (Supplementary Data 1, Nagirnaja et al. 2022. PubMed ID: 36572685). This variant has not been reported in a large population database (gnomAD), indicating this variant is rare. At this time, the clinical significance of this variant is uncertain due to the absence of conclusive functional and genetic evidence.

NM_024649.5(BBS1):c.340G>A (p.Val114Met)

Gene: BBS1 (Bardet-Biedl syndrome 1; plus strand). Cytogenetic location: 11q13.2.
Variant type: single nucleotide variant.
Coding change: c.340G>A on transcript NM_024649.5 (MANE Select); coding-DNA position 340, G replaced by A.
Protein change: p.Val114Met; replaces valine 114 with methionine.
Molecular consequence: missense variant.
Genome position (GRCh38, 1-based): chr11:66,514,586, G>A. VCF-style: chr11-66514586-G-A. GRCh37 (hg19) VCF-style: chr11-66282057-G-A.
Other names: short protein forms V114M.
Identifiers: ClinVar variation 4988150 (VCV004988150.1).